The following is an entry in ClinVar:

NM_032776.3(JMJD1C):c.2119A>G (p.Lys707Glu)

Gene: JMJD1C (jumonji domain containing 1C; minus strand). Cytogenetic location: 10q21.3.
Variant type: single nucleotide variant.
Coding change: c.2119A>G on transcript NM_032776.3 (MANE Select); coding-DNA position 2119, A replaced by G.
Protein change: p.Lys707Glu; replaces lysine 707 with glutamic acid.
Molecular consequence: missense variant. On other transcripts: non-coding transcript variant (1).
Genome position (GRCh38, 1-based): chr10:63,214,048, T>C on the plus strand (A>G on the coding strand, the complement: JMJD1C is on the minus strand). VCF-style: chr10-63214048-T-C. GRCh37 (hg19) VCF-style: chr10-64973808-T-C.
Other names: c.1573A>G, p.Lys525Glu (NM_001282948.2, NM_001318154.2); c.1255A>G, p.Lys419Glu (NM_001318153.2); c.2005A>G, p.Lys669Glu (NM_001322252.2); c.1462A>G, p.Lys488Glu (NM_001322254.2, NM_001322258.2); short protein forms K669E, K707E, K525E, K419E, K488E.
Identifiers: ClinVar variation 1480261 (VCV001480261.10), dbSNP rs1324107210, ClinGen allele CA377046655.

ClinVar aggregate classification (germline): Uncertain significance. Review status: criteria provided, multiple submitters, no conflicts (2 of 4 stars). 2 submissions from 2 submitters: Uncertain significance (2). Last evaluated 2026-02-02.

Conditions:
Early Myoclonic Encephalopathy. Identifiers: MedGen C0270855.

Allele frequency attached by ClinVar (database versions not stated): gnomAD 0.00001; TOPMed 0.00001; gnomAD exomes 0.00001.
gnomAD v4.1: 9 of 1,614,094 alleles (0.00056%); highest among the groups gnomAD compares: Non-Finnish European, 0.00076%; no homozygotes.

Submissions (2):

Labcorp Genetics (formerly Invitae), Labcorp
Classification: Uncertain significance for Early Myoclonic Encephalopathy. Last evaluated: 2026-02-02. Review status: criteria provided, single submitter. Criteria: Invitae Variant Classification Sherloc (09022015). Collection method: clinical testing. Allele origin: germline.
Comment: This sequence change replaces lysine, which is basic and polar, with glutamic acid, which is acidic and polar, at codon 707 of the JMJD1C protein (p.Lys707Glu). This variant is not present in population databases (gnomAD no frequency). This variant has not been reported in the literature in individuals affected with JMJD1C-related conditions. ClinVar contains an entry for this variant (Variation ID: 1480261). Invitae Evidence Modeling of protein sequence and biophysical properties (such as structural, functional, and spatial information, amino acid conservation, physicochemical variation, residue mobility, and thermodynamic stability) indicates that this missense variant is expected to disrupt JMJD1C protein function with a positive predictive value of 80%. In summary, the available evidence is currently insufficient to determine the role of this variant in disease. Therefore, it has been classified as a Variant of Uncertain Significance.

Revvity Omics, Revvity
Classification: Uncertain significance. Last evaluated: 2021-12-10. Review status: criteria provided, single submitter. Criteria: ACMG Guidelines, 2015. Collection method: clinical testing. Allele origin: germline.